The following is an entry in ClinVar:

ClinVar aggregate classification (germline): Pathogenic (1 of 4 stars; one submission).

Conditions:
Hypogonadotropic hypogonadism 2 with or without anosmia (HH2). Also called: FGFR1-Related GnRH Deficiency (Kallmann Syndrome 2); HYPOGONADOTROPIC HYPOGONADISM 2 WITHOUT ANOSMIA; HYPOGONADOTROPIC HYPOGONADISM 2 WITH OR WITHOUT ANOSMIA, SUSCEPTIBILITY TO; HYPOGONADOTROPIC HYPOGONADISM 2 WITHOUT ANOSMIA, SUSCEPTIBILITY TO. Identifiers: Orphanet 478, MedGen C1563720, MONDO:0007844, OMIM 147950. Disease mechanism: loss of function.

Submission:

Reproductive Endocrine Unit, Massachusetts General Hospital
Classification: Pathogenic for Hypogonadotropic hypogonadism 2 with or without anosmia. Last evaluated: 2023-05-04. Review status: criteria provided, single submitter. Criteria: ACMG Guidelines, 2015. Collection method: research. Allele origin: inherited. Affected: yes. Observed: 1 variant allele.
Comment: The variant NM_023110.2:c.1384dup, p.(Glu462Glyfs*3) het has been classified as P1c based on the variant meeting the following ACMG Criteria: PVS1,PM2,PP3.

NM_023110.3(FGFR1):c.1384dup (p.Glu462fs)

Gene: FGFR1 (fibroblast growth factor receptor 1; minus strand). Cytogenetic location: 8p11.23.
Variant type: Duplication.
Coding change: c.1384dup on transcript NM_023110.3 (MANE Select); coding-DNA position 1384, one base duplicated (G; older notation c.1384dupG).
Protein change: p.Glu462fs; shifts the reading frame from glutamic acid 462.
Molecular consequence: frameshift variant.
Genome position (GRCh38, 1-based): chr8:38,418,274, C duplicated on the plus strand (G on the coding strand, the reverse complement: FGFR1 is on the minus strand). VCF-style (leftmost placement, unchanged base first): chr8-38418273-T-TC. GRCh37 (hg19) VCF-style: chr8-38275791-T-TC.
Other names: c.1384dup, p.Glu462Glyfs (NM_000604.2); c.1378dup, p.Glu460fs (NM_001174063.2, NM_001174065.2, NM_001354367.2 and 1 more transcripts); c.1354dup, p.Glu452fs (NM_001174064.2); c.1117dup, p.Glu373fs (NM_001174066.2, NM_023105.3); c.1477dup, p.Glu493fs (NM_001174067.2); c.1105dup, p.Glu369fs (NM_001354368.2); c.1372dup, p.Glu458fs (NM_001354369.2, NM_001410922.1); c.1111dup, p.Glu371fs (NM_001354370.2, NM_023106.3); short protein forms E369fs, E371fs, E373fs, E452fs, E458fs, E460fs, E462fs, E493fs.
Identifiers: ClinVar variation 2505387 (VCV002505387.1), dbSNP rs2536928420, ClinGen allele CA2580614544.